The following is an entry in ClinVar:

ClinVar aggregate classification (germline): Pathogenic (1 of 4 stars; one submission).

Submission:

Labcorp Genetics (formerly Invitae), Labcorp
Classification: Pathogenic. Last evaluated: 2019-04-22. Review status: criteria provided, single submitter. Criteria: Invitae Variant Classification Sherloc (09022015). Collection method: clinical testing. Allele origin: germline.
Comment: This sequence change creates a premature translational stop signal (p.Lys484Glnfs*11) in the MSH3 gene. It is expected to result in an absent or disrupted protein product. This variant is not present in population databases (ExAC no frequency). This variant has not been reported in the literature in individuals with MSH3-related conditions. Loss-of-function variants in MSH3 are known to be pathogenic (PMID: 27476653). For these reasons, this variant has been classified as Pathogenic.

Literature cited by the submitters: PubMed 27476653.

NM_002439.5(MSH3):c.1448dup (p.Lys484fs)

Gene: MSH3 (mutS homolog 3; plus strand). Cytogenetic location: 5q14.1.
Variant type: Duplication.
Coding change: c.1448dup on transcript NM_002439.5 (MANE Select); coding-DNA position 1448, one base duplicated (T; older notation c.1448dupT).
Protein change: p.Lys484fs; shifts the reading frame from lysine 484.
Molecular consequence: frameshift variant.
Genome position (GRCh38, 1-based): chr5:80,725,560, T duplicated. VCF-style (leftmost placement, unchanged base first): chr5-80725559-A-AT. GRCh37 (hg19) VCF-style: chr5-80021378-A-AT.
Other names: short protein forms K484fs.
Identifiers: ClinVar variation 947384 (VCV000947384.7), dbSNP rs1743273111, ClinGen allele CA1139658909.